The following is an entry in ClinVar:

NM_001211.6(BUB1B):c.358C>T (p.Arg120Ter)

Gene: BUB1B (BUB1 mitotic checkpoint serine/threonine kinase B; plus strand). Cytogenetic location: 15q15.1.
Variant type: single nucleotide variant.
Coding change: c.358C>T on transcript NM_001211.6 (MANE Select); coding-DNA position 358, C replaced by T.
Protein change: p.Arg120Ter; replaces arginine 120 with a stop codon.
Molecular consequence: nonsense.
Genome position (GRCh38, 1-based): chr15:40,170,655, C>T. VCF-style: chr15-40170655-C-T. GRCh37 (hg19) VCF-style: chr15-40462856-C-T.
Other names: short protein forms R120*.
Identifiers: ClinVar variation 851299 (VCV000851299.8), dbSNP rs2037151440, ClinGen allele CA391679355.

ClinVar aggregate classification (germline): Pathogenic. Review status: criteria provided, multiple submitters, no conflicts (2 of 4 stars). 2 submissions from 2 submitters: Pathogenic (2). Last evaluated 2024-05-16.

Conditions:
Mosaic variegated aneuploidy syndrome 1 (MVA1). Also called: Warburton-Anyane-Yeboa syndrome. Identifiers: Orphanet 1052, MedGen C1850343, MONDO:0009759, OMIM 257300.

Allele frequency attached by ClinVar (database versions not stated): gnomAD exomes below 0.00001.

Submissions (2):

Dasa
Classification: Pathogenic. Last evaluated: 2024-05-16. Review status: criteria provided, single submitter. Criteria: DASA Assertion Criteria. Collection method: clinical testing. Allele origin: germline.
Comment: NM_001211.6(BUB1B):c.358C>T (p.Arg120*) introduces a premature termination codon predicted to result in loss of normal protein function. Loss-of-function is an established mechanism of disease for this gene. Based on the available data, this variant is classified as pathogenic.

Labcorp Genetics (formerly Invitae), Labcorp
Classification: Pathogenic for Mosaic variegated aneuploidy syndrome 1. Last evaluated: 2023-12-07. Review status: criteria provided, single submitter. Criteria: Invitae Variant Classification Sherloc (09022015). Collection method: clinical testing. Allele origin: germline.
Comment: This sequence change creates a premature translational stop signal (p.Arg120*) in the BUB1B gene. It is expected to result in an absent or disrupted protein product. Loss-of-function variants in BUB1B are known to be pathogenic (PMID: 15475955, 21190457). This variant is not present in population databases (gnomAD no frequency). This variant has not been reported in the literature in individuals affected with BUB1B-related conditions. ClinVar contains an entry for this variant (Variation ID: 851299). For these reasons, this variant has been classified as Pathogenic.

Literature cited by the submitters: PubMed 15475955 (cited by Labcorp Genetics (formerly Invitae), Labcorp); PubMed 21190457 (cited by Labcorp Genetics (formerly Invitae), Labcorp).